The following is an entry in ClinVar:

NM_001849.4(COL6A2):c.2769C>G (p.His923Gln)

Gene: COL6A2 (collagen type VI alpha 2 chain; plus strand). Cytogenetic location: 21q22.3.
Variant type: single nucleotide variant.
Coding change: c.2769C>G on transcript NM_001849.4 (MANE Select); coding-DNA position 2769, C replaced by G.
Protein change: p.His923Gln; replaces histidine 923 with glutamine.
Molecular consequence: missense variant.
Genome position (GRCh38, 1-based): chr21:46,132,261, C>G. VCF-style: chr21-46132261-C-G. GRCh37 (hg19) VCF-style: chr21-47552175-C-G.
Other names: short protein forms H923Q.
Identifiers: ClinVar variation 859438 (VCV000859438.11), dbSNP rs140419176, ClinGen allele CA10073015.

ClinVar aggregate classification (germline): Uncertain significance. Review status: criteria provided, multiple submitters, no conflicts (2 of 4 stars). 2 submissions from 2 submitters: Uncertain significance (2). Last evaluated 2025-08-09.

Conditions:
Inborn genetic diseases. Identifiers: MedGen C0950123, MeSH D030342.
Bethlem myopathy 1A. Also called: MYOPATHY, BENIGN CONGENITAL, WITH CONTRACTURES; Bethlem myopathy 1; Bethlem Muscular Dystrophy. Identifiers: Orphanet 610, MedGen CN029274, MONDO:0024530, OMIM 158810.

gnomAD v4.1: 8 of 1,606,210 alleles (0.0005%); highest among the groups gnomAD compares: Non-Finnish European, 0.00059%; no homozygotes.

Submissions (2):

Ambry Genetics
Classification: Uncertain significance for Inborn genetic diseases. Last evaluated: 2025-08-09. Review status: criteria provided, single submitter. Criteria: Ambry Variant Classification Scheme 2023. Collection method: clinical testing. Allele origin: germline.

Labcorp Genetics (formerly Invitae), Labcorp
Classification: Uncertain significance for Bethlem myopathy 1A. Last evaluated: 2024-02-24. Review status: criteria provided, single submitter. Criteria: Invitae Variant Classification Sherloc (09022015). Collection method: clinical testing. Allele origin: germline.
Comment: This sequence change replaces histidine, which is basic and polar, with glutamine, which is neutral and polar, at codon 923 of the COL6A2 protein (p.His923Gln). This variant is present in population databases (rs140419176, gnomAD 0.006%). This variant has not been reported in the literature in individuals affected with COL6A2-related conditions. ClinVar contains an entry for this variant (Variation ID: 859438). Advanced modeling of protein sequence and biophysical properties (such as structural, functional, and spatial information, amino acid conservation, physicochemical variation, residue mobility, and thermodynamic stability) performed at Invitae indicates that this missense variant is not expected to disrupt COL6A2 protein function with a negative predictive value of 80%. In summary, the available evidence is currently insufficient to determine the role of this variant in disease. Therefore, it has been classified as a Variant of Uncertain Significance.